The following is an entry in ClinVar:

ClinVar aggregate classification (germline): Conflicting classifications of pathogenicity. Review status: criteria provided, conflicting classifications (1 of 4 stars). 3 submissions from 3 submitters: Likely pathogenic (1); Uncertain significance (2). Last evaluated 2025-04-18.

Conditions:
Retinitis pigmentosa 39 (RP39). Identifiers: Orphanet 791, MedGen C3151138, MONDO:0013436, OMIM 613809.

Allele frequency attached by ClinVar (database versions not stated): ExAC 0.00001.
gnomAD v4.1: 1 of 1,612,980 alleles (0.000062%); highest among the groups gnomAD compares: Non-Finnish European, 0.000085%; no homozygotes.

Submissions (3):

Women's Health and Genetics/Laboratory Corporation of America, LabCorp
Classification: Uncertain significance. Last evaluated: 2025-04-18. Review status: criteria provided, single submitter. Criteria: LabCorp Variant Classification Summary - May 2015. Collection method: clinical testing. Allele origin: germline.
Comment: Variant summary: USH2A c.497A>G (p.Glu166Gly) results in a non-conservative amino acid change in the encoded protein sequence. Four of five in-silico tools predict a damaging effect of the variant on protein function. The variant allele was found at a frequency of 4e-06 in 250766 control chromosomes. c.497A>G has been observed in compound heterozygous individuals affected with retinitis pigmentosa or in at least one individual affected with an inherited retinal disorder without reported genotype (e.g. Martin-Merida_2019, Karali_2019, Karali_2022). These data indicate that the variant may be associated with disease. To our knowledge, no experimental evidence demonstrating an impact on protein function has been reported. The following publications have been ascertained in the context of this evaluation (PMID: 31877679, 36460718, 30902645). ClinVar contains an entry for this variant (Variation ID: 1982877). Based on the evidence outlined above, the variant was classified as VUS-possibly pathogenic.

Baylor Genetics
Classification: Likely pathogenic for Retinitis pigmentosa 39. Last evaluated: 2023-12-01. Review status: criteria provided, single submitter. Criteria: ACMG Guidelines, 2015. Collection method: clinical testing. Allele origin: unknown.

Labcorp Genetics (formerly Invitae), Labcorp
Classification: Uncertain significance. Last evaluated: 2021-12-28. Review status: criteria provided, single submitter. Criteria: Invitae Variant Classification Sherloc (09022015). Collection method: clinical testing. Allele origin: germline.
Comment: This sequence change replaces glutamic acid, which is acidic and polar, with glycine, which is neutral and non-polar, at codon 166 of the USH2A protein (p.Glu166Gly). This variant is present in population databases (rs747778052, gnomAD 0.0009%). This missense change has been observed in individual(s) with autosomal recessive retinitis pigmentosa (PMID: 30902645). Algorithms developed to predict the effect of missense changes on protein structure and function output the following: SIFT: "Deleterious"; PolyPhen-2: "Probably Damaging"; Align-GVGD: "Class C0". The glycine amino acid residue is found in multiple mammalian species, which suggests that this missense change does not adversely affect protein function. In summary, the available evidence is currently insufficient to determine the role of this variant in disease. Therefore, it has been classified as a Variant of Uncertain Significance.

Literature cited by the submitters: PubMed 31877679 (cited by Women's Health and Genetics/Laboratory Corporation of America, LabCorp); PubMed 30902645 (cited by Women's Health and Genetics/Laboratory Corporation of America, LabCorp and Labcorp Genetics (formerly Invitae), Labcorp); PubMed 36460718 (cited by Women's Health and Genetics/Laboratory Corporation of America, LabCorp).

NM_206933.4(USH2A):c.497A>G (p.Glu166Gly)

Gene: USH2A (usherin; minus strand). Cytogenetic location: 1q41.
Variant type: single nucleotide variant.
Coding change: c.497A>G on transcript NM_206933.4 (MANE Select); coding-DNA position 497, A replaced by G.
Protein change: p.Glu166Gly; replaces glutamic acid 166 with glycine.
Molecular consequence: missense variant.
Genome position (GRCh38, 1-based): chr1:216,418,668, T>C on the plus strand (A>G on the coding strand, the complement: USH2A is on the minus strand). VCF-style: chr1-216418668-T-C. GRCh37 (hg19) VCF-style: chr1-216592010-T-C.
Other names: c.497A>G, p.Glu166Gly (NM_007123.6); short protein forms E166G.
Identifiers: ClinVar variation 1982877 (VCV001982877.5), dbSNP rs747778052, ClinGen allele CA1396767.